The following is an entry in ClinVar:

NM_000059.4(BRCA2):c.8283_8284del (p.Ser2761_Pro2762insTer)

Gene: BRCA2 (BRCA2 DNA repair associated; plus strand). Cytogenetic location: 13q13.1.
Variant type: Microsatellite.
Coding change: c.8283_8284del on transcript NM_000059.4 (MANE Select); coding-DNA positions 8283 to 8284, 2 bases deleted (TC; older notation c.8283_8284delTC).
Protein change: p.Ser2761_Pro2762insTer.
Molecular consequence: frameshift variant. On other transcripts: nonsense (1), non-coding transcript variant (1).
Genome position (GRCh38, 1-based): chr13:32,363,485-32,363,486, TC deleted; deleting any 2 consecutive bases within chr13:32,363,482-32,363,486 gives the same sequence; the c. name uses the placement nearest the transcript's 3' end. VCF-style (leftmost placement, unchanged base first): chr13-32363481-GCT-G. GRCh37 (hg19) VCF-style: chr13-32937618-GCT-G.
Other names: c.8283_8284del (NM_000059.3); c.8283_8284delTC (NM_000059.4); c.8281_8282TC[1], p.Pro2762Terfs (NM_000059.3); c.8187_8188del, p.Ser2729_Pro2730insTer (NM_001406719.1); c.8283_8284del, p.Ser2761_Pro2762insTer (NM_001406720.1); c.3351_3352del, p.Ser1117_Pro1118insTer (NM_001406721.1); c.1866_1867del, p.Ser622_Pro623insTer (NM_001406722.1).
Identifiers: ClinVar variation 2682298 (VCV002682298.5), dbSNP rs886040754, ClinGen allele CA2697551778.

ClinVar aggregate classification (germline): Pathogenic/Likely pathogenic. Review status: criteria provided, multiple submitters, no conflicts (2 of 4 stars). 3 submissions from 3 submitters: Pathogenic (2); Likely pathogenic (1). Last evaluated 2024-01-24.

Conditions:
Hereditary breast ovarian cancer syndrome. Also called: Hereditary breast and ovarian cancer syndrome; Hereditary breast and ovarian cancer syndrome (HBOC); BRCA1- and BRCA2-Associated Hereditary Breast and Ovarian Cancer; Hereditary breast and ovarian cancer; Breast and ovarian cancer; Hereditary breast and/or ovarian cancer syndrome. Identifiers: Orphanet 145, MedGen C0677776, MeSH D061325, MONDO:0003582. Disease mechanism: loss of function.

Submissions (3):

Quest Diagnostics Nichols Institute San Juan Capistrano
Classification: Likely pathogenic. Last evaluated: 2024-01-24. Review status: criteria provided, single submitter. Criteria: Quest Diagnostics criteria. Collection method: clinical testing. Allele origin: unknown.
Comment: The BRCA2 c.8283_8284del (p.Pro2762*) variant is predicted to cause the premature termination of BRCA2 protein synthesis. This variant has not been reported in individuals with BRCA2-related conditions in the published literature. This variant has not been reported in large, multi-ethnic general populations (Genome Aggregation Database). Based on the available information, this variant is classified as likely pathogenic.

Labcorp Genetics (formerly Invitae), Labcorp
Classification: Pathogenic for Hereditary breast ovarian cancer syndrome. Last evaluated: 2023-12-18. Review status: criteria provided, single submitter. Criteria: Invitae Variant Classification Sherloc (09022015). Collection method: clinical testing. Allele origin: germline.
Comment: This sequence change creates a premature translational stop signal (p.Pro2762*) in the BRCA2 gene. It is expected to result in an absent or disrupted protein product. Loss-of-function variants in BRCA2 are known to be pathogenic (PMID: 20104584). This variant is not present in population databases (gnomAD no frequency). This variant has not been reported in the literature in individuals affected with BRCA2-related conditions. For these reasons, this variant has been classified as Pathogenic.

Women's Health and Genetics/Laboratory Corporation of America, LabCorp
Classification: Pathogenic for Hereditary breast ovarian cancer syndrome. Last evaluated: 2023-11-30. Review status: criteria provided, single submitter. Criteria: LabCorp Variant Classification Summary - May 2015. Collection method: clinical testing. Allele origin: germline.
Comment: Variant summary: BRCA2 c.8283_8284delTC (p.Pro2762X) results in a premature termination codon, predicted to cause a truncation of the encoded protein or absence of the protein due to nonsense mediated decay, which are commonly known mechanisms for disease. The variant was absent in 248606 control chromosomes (gnomAD). To our knowledge, no occurrence of c.8283_8284delTC in individuals affected with Hereditary Breast And Ovarian Cancer Syndrome and no experimental evidence demonstrating its impact on protein function have been reported. No submitters have reported clinical-significance assessments for this variant to ClinVar after 2014. Based on the evidence outlined above, the variant was classified as pathogenic.

Literature cited by the submitters: PubMed 20104584 (cited by Labcorp Genetics (formerly Invitae), Labcorp).